The following is an entry in ClinVar:

NM_020686.6(ABAT):c.*2114G>A

Gene: ABAT (4-aminobutyrate aminotransferase; plus strand). Cytogenetic location: 16p13.2.
Variant type: single nucleotide variant.
Coding change: c.*2114G>A on transcript NM_020686.6 (MANE Select); 2114 bases downstream of the stop codon, G replaced by A.
Molecular consequence: 3 prime UTR variant.
Genome position (GRCh38, 1-based): chr16:8,783,544, G>A. VCF-style: chr16-8783544-G-A. GRCh37 (hg19) VCF-style: chr16-8877401-G-A.
Other names: c.*2114G>A (NM_000663.5, NM_001127448.2, NM_001386600.1 and 14 more transcripts); c.*2128G>A (NM_001386609.1, NM_001386616.1).
Identifiers: ClinVar variation 321139 (VCV000321139.6), dbSNP rs11648372, ClinGen allele CA10649119.
Genomic context (GRCh38, chr16:8,783,544, plus strand): 5'-TTCACCAAGCAGGCAAGGCAAGGAAGGGTGTTGCAGAGAGGGAACAGCATATGCAAAGGC[G>A]TATCAGTTCATGGCATCACATCTTTCACTGGGGAAGCCAGTTTCCACAGGCAGCATCCCA-3'

ClinVar aggregate classification (germline): Benign. Review status: criteria provided, multiple submitters, no conflicts (2 of 4 stars). 2 submissions from 2 submitters: Benign (2). Last evaluated 2018-01-12.

Conditions:
Gamma-aminobutyric acid transaminase deficiency (GABATD). Also called: GABA aminotransaminase deficiency; GABA transaminase deficiency; Gamma aminobutyrate transaminase deficiency; 4 alpha aminobutyrate transaminase deficiency. Identifiers: Orphanet 2066, MedGen C0342708, MONDO:0013166, OMIM 613163.

Allele frequency attached by ClinVar (database versions not stated): 1000 Genomes Project 30x 0.60306; 1000 Genomes Project 0.60683; gnomAD exomes 0.61111; TOPMed 0.61527; gnomAD 0.62549.
gnomAD v4.1: 94,835 of 152,074 alleles (62%); highest among the groups gnomAD compares: Middle Eastern, 71%; 29,798 homozygotes.

Submissions (2):

Illumina Laboratory Services, Illumina
Classification: Benign for Gamma-aminobutyric acid transaminase deficiency. Last evaluated: 2018-01-12. Review status: criteria provided, single submitter. Criteria: ICSL Variant Classification Criteria 13 December 2019. Collection method: clinical testing. Allele origin: germline.
Comment: This variant was observed in the ICSL laboratory as part of a predisposition screen in an ostensibly healthy population. It had not been previously curated by ICSL or reported in the Human Gene Mutation Database (HGMD: prior to June 1st, 2018), and was therefore a candidate for classification through an automated scoring system. Utilizing variant allele frequency, disease prevalence and penetrance estimates, and inheritance mode, an automated score was calculated to assess if this variant is too frequent to cause the disease. Based on the score and internal cut-off values, a variant classified as benign is not then subjected to further curation. The score for this variant resulted in a classification of benign for this disease.

Breakthrough Genomics
Classification: Benign. Review status: criteria provided, single submitter. Criteria: ACMG Guidelines, 2015. Collection method: not provided. Allele origin: germline. Inheritance: Autosomal recessive inheritance. Affected: yes.